The following is an entry in ClinVar:

ClinVar aggregate classification (germline): Uncertain significance (1 of 4 stars; one submission).

Conditions:
RASopathy. Also called: rasopathies; Noonan spectrum disorder. Identifiers: Orphanet 536391, MedGen C5555857, MONDO:0021060.

Submission:

Labcorp Genetics (formerly Invitae), Labcorp
Classification: Uncertain significance for RASopathy. Last evaluated: 2026-01-05. Review status: criteria provided, single submitter. Criteria: Invitae Variant Classification Sherloc (09022015). Collection method: clinical testing. Allele origin: germline.
Comment: This sequence change replaces alanine, which is neutral and non-polar, with isoleucine, which is neutral and non-polar, at codon 540 of the SOS1 protein (p.Ala540Ile). Information on the frequency of this variant in the gnomAD database is not available, as this variant may be reported differently in the database. This variant has not been reported in the literature in individuals affected with SOS1-related conditions. An algorithm developed to predict the effect of missense changes on protein structure and function (PolyPhen-2) suggests that this variant is likely to be disruptive. In summary, the available evidence is currently insufficient to determine the role of this variant in disease. Therefore, it has been classified as a Variant of Uncertain Significance.

NM_005633.4(SOS1):c.1618_1619delinsAT (p.Ala540Ile)

Gene: SOS1 (SOS Ras/Rac guanine nucleotide exchange factor 1; minus strand). Cytogenetic location: 2p22.1.
Variant type: Indel.
Coding change: c.1618_1619delinsAT on transcript NM_005633.4 (MANE Select); coding-DNA positions 1618 to 1619, GC replaced by AT.
Protein change: p.Ala540Ile; replaces alanine 540 with isoleucine.
Molecular consequence: missense variant.
Genome position (GRCh38, 1-based): chr2:39,022,809-39,022,810, GC replaced by AT on the plus strand (GC replaced by AT on the coding strand, the reverse complement: SOS1 is on the minus strand). VCF-style: chr2-39022809-GC-AT. GRCh37 (hg19) VCF-style: chr2-39249950-GC-AT.
Other names: c.1597_1598delinsAT, p.Ala533Ile (NM_001382394.1); c.1618_1619delinsAT, p.Ala540Ile (NM_001382395.1); short protein forms A533I, A540I.
Identifiers: ClinVar variation 4734745 (VCV004734745.1).